The following is an entry in ClinVar:

ClinVar aggregate classification (germline): Likely pathogenic (1 of 4 stars; one submission).

Conditions:
Bloom syndrome (BLM). Also called: Bloom-Torre-Machacek syndrome. Identifiers: Orphanet 125, MedGen C0005859, MONDO:0008876, OMIM 210900.

Submission:

Labcorp Genetics (formerly Invitae), Labcorp
Classification: Likely pathogenic for Bloom syndrome. Last evaluated: 2023-08-16. Review status: criteria provided, single submitter. Criteria: Invitae Variant Classification Sherloc (09022015). Collection method: clinical testing. Allele origin: germline.
Comment: In summary, the currently available evidence indicates that the variant is pathogenic, but additional data are needed to prove that conclusively. Therefore, this variant has been classified as Likely Pathogenic. This variant has not been reported in the literature in individuals affected with BLM-related conditions. This variant results in a copy number gain of the genomic region encompassing exon(s) 13-14 of the BLM gene. While the exact position of this variant cannot be determined from the data, sub-genic copy number gains are generally in tandem (PMID: 25640679). This variant is predicted to be out-of-frame, and may result in an absent or disrupted protein product. Loss-of-function variants in BLM are known to be pathogenic (PMID: 17407155).

Literature cited by the submitters: PubMed 25640679; PubMed 17407155.

NC_000015.9:g.(?_91326042)_(91328321_?)dup

Gene: BLM (BLM RecQ like helicase; plus strand). Cytogenetic location: 15q26.1.
Variant type: Duplication.
Identifiers: ClinVar variation 1068325 (VCV001068325.6).